The following is an entry in ClinVar:

NM_000081.4(LYST):c.3529_3531del (p.Glu1177del)

Gene: LYST (lysosomal trafficking regulator; minus strand). Cytogenetic location: 1q42.3.
Variant type: Deletion.
Coding change: c.3529_3531del on transcript NM_000081.4 (MANE Select); coding-DNA positions 3529 to 3531, 3 bases deleted (GAA; older notation c.3529_3531delGAA).
Protein change: p.Glu1177del; deletes glutamic acid 1177.
Molecular consequence: inframe deletion.
Genome position (GRCh38, 1-based): chr1:235,804,528-235,804,530, TTC deleted on the plus strand (GAA on the coding strand, the reverse complement: LYST is on the minus strand). VCF-style (leftmost placement, unchanged base first): chr1-235804527-GTTC-G. GRCh37 (hg19) VCF-style: chr1-235967827-GTTC-G.
Other names: c.3529_3531delGAA (NM_000081.3); c.3529_3531del, p.Glu1177del (NM_001301365.1); short protein forms E1177del.
Identifiers: ClinVar variation 1513195 (VCV001513195.6), dbSNP rs775080092, ClinGen allele CA1467059.

ClinVar aggregate classification (germline): Uncertain significance. Review status: criteria provided, multiple submitters, no conflicts (2 of 4 stars). 2 submissions from 2 submitters: Uncertain significance (2). Last evaluated 2026-09-21.

Conditions:
LYST-related disorder. Also called: LYST-related condition.
Chédiak-Higashi syndrome (CHS). Also called: Chediak-Higashi Syndrome. Identifiers: Orphanet 167, MedGen C0007965, MONDO:0008963, OMIM 214500.

Allele frequency attached by ClinVar (database versions not stated): gnomAD 0.00001; gnomAD exomes 0.00001; TOPMed 0.00001; ExAC 0.00002; 1000 Genomes Project 30x 0.00016.

Submissions (2):

PreventionGenetics, part of Exact Sciences
Classification: Uncertain significance for LYST-related condition. Last evaluated: 2026-09-21. Review status: criteria provided, single submitter. Criteria: ACMG Guidelines, 2015. Collection method: clinical testing. Allele origin: germline.
Comment: The LYST c.3529_3531delGAA variant is predicted to result in an in-frame deletion (p.Glu1177del). To our knowledge, this variant has not been reported in the literature. This variant is reported in 0.040% of alleles in individuals of Ashkenazi Jewish descent in gnomAD. At this time, the clinical significance of this variant is uncertain due to the absence of conclusive functional and genetic evidence.

Labcorp Genetics (formerly Invitae), Labcorp
Classification: Uncertain significance for Chédiak-Higashi syndrome. Last evaluated: 2026-01-13. Review status: criteria provided, single submitter. Criteria: Invitae Variant Classification Sherloc (09022015). Collection method: clinical testing. Allele origin: germline.
Comment: This variant, c.3529_3531del, results in the deletion of 1 amino acid(s) of the LYST protein (p.Glu1177del), but otherwise preserves the integrity of the reading frame. This variant is present in population databases (rs775080092, gnomAD 0.04%). This variant has not been reported in the literature in individuals affected with LYST-related conditions. ClinVar contains an entry for this variant (Variation ID: 1513195). Experimental studies and prediction algorithms are not available or were not evaluated, and the functional significance of this variant is currently unknown. In summary, the available evidence is currently insufficient to determine the role of this variant in disease. Therefore, it has been classified as a Variant of Uncertain Significance.